The following is an entry in ClinVar:

ClinVar aggregate classification (germline): Uncertain significance (1 of 4 stars; one submission).

Submission:

GeneDx
Classification: Uncertain significance. Last evaluated: 2022-10-17. Review status: criteria provided, single submitter. Criteria: GeneDx Variant Classification Process June 2021. Collection method: clinical testing. Allele origin: germline. Affected: yes.
Comment: Not observed at significant frequency in large population cohorts (gnomAD); In silico analysis supports that this missense variant has a deleterious effect on protein structure/function; Has not been previously published as pathogenic or benign to our knowledge

NM_002067.5(GNA11):c.175A>T (p.Met59Leu)

Gene: GNA11 (G protein subunit alpha 11; plus strand). Cytogenetic location: 19p13.3.
Variant type: single nucleotide variant.
Coding change: c.175A>T on transcript NM_002067.5 (MANE Select); coding-DNA position 175, A replaced by T.
Protein change: p.Met59Leu; replaces methionine 59 with leucine.
Molecular consequence: missense variant.
Genome position (GRCh38, 1-based): chr19:3,110,187, A>T. VCF-style: chr19-3110187-A-T. GRCh37 (hg19) VCF-style: chr19-3110185-A-T.
Other names: short protein forms M59L.
Identifiers: ClinVar variation 2499267 (VCV002499267.1), dbSNP rs1913736617, ClinGen allele CA403305435.